The following is an entry in ClinVar:

NM_000059.4(BRCA2):c.9884A>T (p.Gln3295Leu)

Gene: BRCA2 (BRCA2 DNA repair associated; plus strand). Cytogenetic location: 13q13.1.
Variant type: single nucleotide variant.
Coding change: c.9884A>T on transcript NM_000059.4 (MANE Select); coding-DNA position 9884, A replaced by T.
Protein change: p.Gln3295Leu; replaces glutamine 3295 with leucine.
Molecular consequence: missense variant.
Genome position (GRCh38, 1-based): chr13:32,398,397, A>T. VCF-style: chr13-32398397-A-T. GRCh37 (hg19) VCF-style: chr13-32972534-A-T.
Other names: short protein forms Q3295L.
Identifiers: ClinVar variation 823538 (VCV000823538.4), dbSNP rs1346315597, ClinGen allele CA387766753.

ClinVar aggregate classification (germline): Uncertain significance (1 of 4 stars; one submission).

Conditions:
Hereditary cancer-predisposing syndrome. Also called: Tumor predisposition; Hereditary Cancer Syndrome; Neoplastic Syndromes, Hereditary; Hereditary neoplastic syndrome. Identifiers: Orphanet 140162, MedGen C0027672, MeSH D009386, MONDO:0015356.

Submission:

Ambry Genetics
Classification: Uncertain significance for Hereditary cancer-predisposing syndrome. Last evaluated: 2018-03-26. Review status: criteria provided, single submitter. Criteria: Ambry Variant Classification Scheme 2023. Collection method: clinical testing. Allele origin: germline.
Comment: The p.Q3295L variant (also known as c.9884A>T), located in coding exon 26 of the BRCA2 gene, results from an A to T substitution at nucleotide position 9884. The glutamine at codon 3295 is replaced by leucine, an amino acid with dissimilar properties. This amino acid position is highly conserved through mammals but not in all available vertebrate species. In addition, this alteration is predicted to be tolerated by in silico analysis. Since supporting evidence is limited at this time, the clinical significance of this alteration remains unclear.